The following is an entry in ClinVar:

ClinVar aggregate classification (germline): Uncertain significance (1 of 4 stars; one submission).

Submission:

Ambry Genetics
Classification: Uncertain significance. Last evaluated: 2023-08-01. Review status: criteria provided, single submitter. Criteria: Ambry Variant Classification Scheme 2023. Collection method: clinical testing. Allele origin: germline.
Comment: The p.E368V variant (also known as c.1103A>T), located in coding exon 3 of the ALPK2 gene, results from an A to T substitution at nucleotide position 1103. The glutamic acid at codon 368 is replaced by valine, an amino acid with dissimilar properties. This amino acid position is conserved. In addition, this alteration is predicted to be tolerated by in silico analysis. Since supporting evidence is limited at this time, the clinical significance of this alteration remains unclear.

NM_052947.4(ALPK2):c.1103A>T (p.Glu368Val)

Genes: ALPK2 (alpha kinase 2; minus strand), LOC114803473 (ALPK2 eExon liver enhancer; plus strand). Cytogenetic location: 18q21.31.
Variant type: single nucleotide variant.
Coding change: c.1103A>T on transcript NM_052947.4 (MANE Select); coding-DNA position 1103, A replaced by T.
Protein change: p.Glu368Val; replaces glutamic acid 368 with valine.
Molecular consequence: missense variant.
Genome position (GRCh38, 1-based): chr18:58,579,673, T>A on the plus strand (A>T on the coding strand, the complement: ALPK2 is on the minus strand). VCF-style: chr18-58579673-T-A. GRCh37 (hg19) VCF-style: chr18-56246905-T-A.
Other names: short protein forms E368V.
Identifiers: ClinVar variation 2626016 (VCV002626016.2), dbSNP rs2518899454, ClinGen allele CA402564698.